The following is an entry in ClinVar:

NM_175918.3(CRIPAK):c.789C>T (p.His263=)

Genes: CRIPAK (cysteine rich PAK1 inhibitor; plus strand), UVSSA (UV stimulated scaffold protein A; plus strand), LOC126806945 (P300/CBP strongly-dependent group 1 enhancer GRCh37_chr4:1388225-1389424; plus strand). Cytogenetic location: 4p16.3.
Variant type: single nucleotide variant.
Coding change: c.789C>T on transcript NM_175918.3; coding-DNA position 789, C replaced by T.
Protein change: p.His263=; no amino-acid change (histidine 263 retained).
Molecular consequence: synonymous variant.
Genome position (GRCh38, 1-based): chr4:1,395,300, C>T. VCF-style: chr4-1395300-C-T. GRCh37 (hg19) VCF-style: chr4-1389088-C-T.
Identifiers: ClinVar variation 3025467 (VCV003025467.22), dbSNP rs780858329, ClinGen allele CA2807169.

ClinVar aggregate classification (germline): Likely benign (1 of 4 stars; one submission).

Allele frequency attached by ClinVar (database versions not stated): gnomAD 0.00003; ExAC 0.00013.
gnomAD v4.1: 61 of 1,551,988 alleles (0.0039%); highest among the groups gnomAD compares: East Asian, 0.0047%; no homozygotes.

Submission:

CeGaT Center for Human Genetics Tuebingen
Classification: Likely benign. Last evaluated: 2025-05-01. Review status: criteria provided, single submitter. Criteria: CeGaT Center For Human Genetics Tuebingen Variant Classification Criteria Version 2. Collection method: clinical testing. Allele origin: germline. Affected: yes. Observed: 3 variant alleles.
Comment: CRIPAK: BP4, BP7